The following is an entry in ClinVar:

ClinVar aggregate classification (germline): Uncertain significance. Review status: criteria provided, multiple submitters, no conflicts (2 of 4 stars). 2 submissions from 2 submitters: Uncertain significance (2). Last evaluated 2026-02-03.

Conditions:
Inborn genetic diseases. Identifiers: MedGen C0950123, MeSH D030342.
Mosaic variegated aneuploidy syndrome 1 (MVA1). Also called: Warburton-Anyane-Yeboa syndrome. Identifiers: Orphanet 1052, MedGen C1850343, MONDO:0009759, OMIM 257300.

Allele frequency attached by ClinVar (database versions not stated): gnomAD exomes below 0.00001 and 0.00001; ExAC 0.00001.
gnomAD v4.1: 5 of 1,613,908 alleles (0.00031%); highest among the groups gnomAD compares: East Asian, 0.0089%; no homozygotes.

Submissions (2):

Labcorp Genetics (formerly Invitae), Labcorp
Classification: Uncertain significance for Mosaic variegated aneuploidy syndrome 1. Last evaluated: 2026-02-03. Review status: criteria provided, single submitter. Criteria: Invitae Variant Classification Sherloc (09022015). Collection method: clinical testing. Allele origin: germline.
Comment: This sequence change replaces proline, which is neutral and non-polar, with serine, which is neutral and polar, at codon 548 of the BUB1B protein (p.Pro548Ser). This variant is present in population databases (rs759527622, gnomAD 0.02%). This variant has not been reported in the literature in individuals affected with BUB1B-related conditions. ClinVar contains an entry for this variant (Variation ID: 938881). An algorithm developed to predict the effect of missense changes on protein structure and function outputs the following: PolyPhen-2: "Benign". The serine amino acid residue is found in multiple mammalian species, which suggests that this missense change does not adversely affect protein function. In summary, the available evidence is currently insufficient to determine the role of this variant in disease. Therefore, it has been classified as a Variant of Uncertain Significance.

Ambry Genetics
Classification: Uncertain significance for Inborn genetic diseases. Last evaluated: 2023-05-18. Review status: criteria provided, single submitter. Criteria: Ambry Variant Classification Scheme 2023. Collection method: clinical testing. Allele origin: germline.

NM_001211.6(BUB1B):c.1642C>T (p.Pro548Ser)

Gene: BUB1B (BUB1 mitotic checkpoint serine/threonine kinase B; plus strand). Cytogenetic location: 15q15.1.
Variant type: single nucleotide variant.
Coding change: c.1642C>T on transcript NM_001211.6 (MANE Select); coding-DNA position 1642, C replaced by T.
Protein change: p.Pro548Ser; replaces proline 548 with serine.
Molecular consequence: missense variant.
Genome position (GRCh38, 1-based): chr15:40,202,602, C>T. VCF-style: chr15-40202602-C-T. GRCh37 (hg19) VCF-style: chr15-40494803-C-T.
Other names: short protein forms P548S.
Identifiers: ClinVar variation 938881 (VCV000938881.13), dbSNP rs759527622, ClinGen allele CA7475857.
Genomic context (GRCh38, chr15:40,202,602, plus strand): 5'-GTTACTGTTATGAAAAAAATTGCTAAGTGAGGTATGTCTTTTTCCAGTCCTCCTGCAGAT[C>T]CCCCACGAGTTTTAGCTCAACGAAGACCCCTTGCAGTTCTCAAAACCTCAGAAAGCATCA-3'
Protein context (NP_001202.5, residues 538-558): EKKNKSPPAD[Pro548Ser]PRVLAQRRPL